The following is an entry in ClinVar:

ClinVar aggregate classification (germline): Benign (0 of 4 stars; one submission).

Conditions:
SLC28A1-related disorder. Also called: SLC28A1-related condition.

Allele frequency attached by ClinVar (database versions not stated): ESP Exome Variant Server 0.30568; TOPMed 0.33445; gnomAD 0.33956; 1000 Genomes Project 30x 0.37929; 1000 Genomes Project 0.38319; ExAC 0.39124.
gnomAD v4.1: 607,827 of 1,613,866 alleles (38%); highest among the groups gnomAD compares: Admixed American, 54%; 118,329 homozygotes.

Submission:

PreventionGenetics, part of Exact Sciences
Classification: Benign for SLC28A1-related condition. Last evaluated: 2019-10-30. Review status: no assertion criteria provided. Collection method: clinical testing. Allele origin: germline.
Comment: This variant is classified as benign based on ACMG/AMP sequence variant interpretation guidelines (Richards et al. 2015 PMID: 25741868, with internal and published modifications).

NM_004213.5(SLC28A1):c.565G>A (p.Val189Ile)

Gene: SLC28A1 (solute carrier family 28 member 1; plus strand). Cytogenetic location: 15q25.3.
Variant type: single nucleotide variant.
Coding change: c.565G>A on transcript NM_004213.5 (MANE Select); coding-DNA position 565, G replaced by A.
Protein change: p.Val189Ile; replaces valine 189 with isoleucine.
Molecular consequence: missense variant.
Genome position (GRCh38, 1-based): chr15:84,904,200, G>A. VCF-style: chr15-84904200-G-A. GRCh37 (hg19) VCF-style: chr15-85447431-G-A.
Other names: c.565G>A, p.Val189Ile (NM_001287761.2, NM_001287762.2, NM_001321721.2 and 1 more transcripts); short protein forms V189I.
Identifiers: ClinVar variation 3059692 (VCV003059692.2), dbSNP rs2290272, ClinGen allele CA7710450.